The following is an entry in ClinVar:

ClinVar aggregate classification (germline): Uncertain significance. Review status: criteria provided, multiple submitters, no conflicts (2 of 4 stars). 2 submissions from 2 submitters: Uncertain significance (2). Last evaluated 2025-11-13.

Allele frequency attached by ClinVar (database versions not stated): TOPMed 0.00001; gnomAD 0.00002; gnomAD exomes 0.00002; ESP Exome Variant Server 0.00008.
gnomAD v4.1: 34 of 1,603,270 alleles (0.0021%); highest among the groups gnomAD compares: Non-Finnish European, 0.0027%; no homozygotes.

Submissions (2):

Labcorp Genetics (formerly Invitae), Labcorp
Classification: Uncertain significance. Last evaluated: 2025-11-13. Review status: criteria provided, single submitter. Criteria: Invitae Variant Classification Sherloc (09022015). Collection method: clinical testing. Allele origin: germline.
Comment: This sequence change replaces threonine, which is neutral and polar, with asparagine, which is neutral and polar, at codon 463 of the ANLN protein (p.Thr463Asn). This variant is present in population databases (rs373872174, gnomAD 0.002%). This variant has not been reported in the literature in individuals affected with ANLN-related conditions. ClinVar contains an entry for this variant (Variation ID: 2613010). Invitae Evidence Modeling of protein sequence and biophysical properties (such as structural, functional, and spatial information, amino acid conservation, physicochemical variation, residue mobility, and thermodynamic stability) indicates that this missense variant is not expected to disrupt ANLN protein function with a negative predictive value of 80%. In summary, the available evidence is currently insufficient to determine the role of this variant in disease. Therefore, it has been classified as a Variant of Uncertain Significance.

Ambry Genetics
Classification: Uncertain significance. Last evaluated: 2023-07-19. Review status: criteria provided, single submitter. Criteria: Ambry Variant Classification Scheme 2023. Collection method: clinical testing. Allele origin: germline.

NM_018685.5(ANLN):c.1388C>A (p.Thr463Asn)

Gene: ANLN (anillin, actin binding protein; plus strand). Cytogenetic location: 7p14.2.
Variant type: single nucleotide variant.
Coding change: c.1388C>A on transcript NM_018685.5 (MANE Select); coding-DNA position 1388, C replaced by A.
Protein change: p.Thr463Asn; replaces threonine 463 with asparagine.
Molecular consequence: missense variant.
Genome position (GRCh38, 1-based): chr7:36,411,159, C>A. VCF-style: chr7-36411159-C-A. GRCh37 (hg19) VCF-style: chr7-36450768-C-A.
Other names: c.1388C>A, p.Thr463Asn (NM_001284301.3, NM_001284302.3); short protein forms T463N.
Identifiers: ClinVar variation 2613010 (VCV002613010.5), dbSNP rs373872174, ClinGen allele CA157083129.
Genomic context (GRCh38, chr7:36,411,159, plus strand): 5'-ACAAGGGCAATATATGGAGTGCAGAAAAAGGCGGAAACTCAAAAAGCAAACAACTAGAAA[C>A]CAAACAGGTAATGTAAACAAGAAATATAAAAACGAACTTGGTCCCCAAATAGTTGGGATC-3'
Protein context (NP_061155.2, residues 453-473): GGNSKSKQLE[Thr463Asn]KQETHCQSTP